The following is an entry in ClinVar:

ClinVar aggregate classification (germline): Uncertain significance. Review status: criteria provided, multiple submitters, no conflicts (2 of 4 stars). 2 submissions from 2 submitters: Uncertain significance (2). Last evaluated 2025-12-29.

Conditions:
Cardiovascular phenotype. Identifiers: MedGen CN230736.
Noonan syndrome-like disorder with loose anagen hair 1 (NSLH1). Also called: TOSTI SYNDROME; MAZZANTI SYNDROME. Identifiers: Orphanet 2701, MedGen C4478716, MONDO:0054637, OMIM 607721.

gnomAD v4.1: 3 of 1,613,960 alleles (0.00019%); highest among the groups gnomAD compares: African/African-American, 0.0013%; no homozygotes.

Submissions (2):

Laboratorio de Genetica e Diagnostico Molecular, Hospital Israelita Albert Einstein
Classification: Uncertain significance for Noonan syndrome-like disorder with loose anagen hair 1. Last evaluated: 2025-12-29. Review status: criteria provided, single submitter. Criteria: ACMG Guidelines, 2015. Collection method: clinical testing. Allele origin: germline. Affected: yes.
Comment: ACMG classification criteria: PM2 supporting, PP2 supporting

Ambry Genetics
Classification: Uncertain significance for Cardiovascular phenotype. Last evaluated: 2025-12-16. Review status: criteria provided, single submitter. Criteria: Ambry Variant Classification Scheme 2023. Collection method: clinical testing. Allele origin: germline.
Comment: The p.P77L variant (also known as c.230C>T), located in coding exon 1 of the SHOC2 gene, results from a C to T substitution at nucleotide position 230. The proline at codon 77 is replaced by leucine, an amino acid with similar properties. This amino acid position is conserved. In addition, this alteration is predicted to be deleterious by in silico analysis. Based on the available evidence, the clinical significance of this variant remains unclear.

NM_007373.4(SHOC2):c.230C>T (p.Pro77Leu)

Gene: SHOC2 (SHOC2 leucine rich repeat scaffold protein; plus strand). Cytogenetic location: 10q25.2.
Variant type: single nucleotide variant.
Coding change: c.230C>T on transcript NM_007373.4 (MANE Select); coding-DNA position 230, C replaced by T.
Protein change: p.Pro77Leu; replaces proline 77 with leucine.
Molecular consequence: missense variant. On other transcripts: 5 prime UTR variant (1), non-coding transcript variant (1), intron variant (3).
Genome position (GRCh38, 1-based): chr10:110,964,588, C>T. VCF-style: chr10-110964588-C-T. GRCh37 (hg19) VCF-style: chr10-112724346-C-T.
Other names: c.230C>T, p.Pro77Leu (NM_001269039.3, NM_001324336.2, NM_001324337.2 and 4 more transcripts); c.-557C>T (NM_001441188.1); c.-380-21040C>T (NM_001441190.1); c.-249-21040C>T (NM_001441191.1); c.-242-35827C>T (NM_001441189.1); short protein forms P77L.
Identifiers: ClinVar variation 4842727 (VCV004842727.2).